The following is an entry in ClinVar:

ClinVar aggregate classification (germline): Pathogenic (1 of 4 stars; one submission).

Conditions:
Dentinogenesis imperfecta type 2 (DGI1). Also called: OPALESCENT DENTIN; OPALESCENT TEETH WITHOUT OSTEOGENESIS IMPERFECTA; Dentinogenesis imperfecta - Shield's type II; CAPDEPONT TEETH; Dentinogenesis imperfecta without osteogenesis imperfecta; Hereditary Opalescent Dentin. Identifiers: Orphanet 166260, MedGen C2973527, MONDO:0007441, OMIM 125490. Disease mechanism: loss of function.

Submission:

Department of Stomatology, Sichuan Provincial People’s Hospital
Classification: Pathogenic for Dentinogenesis imperfecta type 2. Review status: criteria provided, single submitter. Criteria: AMP Guidelines, 2017. Collection method: in vitro. Allele origin: paternal, not applicable. Inheritance: Autosomal dominant inheritance. Affected: yes. Functional consequence: effect on protein subcellular localization.
Comment: we identified a novel heterozygous c.53T > G (p. Val18Gly) DSPP variant in a Chinese family with DGI-II with rare hypoplastic enamel defects. The variant was completely co-segregated with the disease phenotype in the family and absent in the in-house database generated from 1092 samples of WES. Immunocytochemistry assay showed that the mutant Protein was entrapped in the endoplasmic reticulum (ER), while the wildtype protein located mainly in the Golgi apparatus.

Literature cited by the submitters: PubMed 19131317; PubMed 22392858.

NM_014208.3(DSPP):c.53T>G (p.Val18Gly)

Genes: DMP1-AS1 (DMP1 and DSPP antisense RNA 1; minus strand), DSPP (dentin sialophosphoprotein; plus strand). Cytogenetic location: 4q22.1.
Variant type: single nucleotide variant.
Coding change: c.53T>G on transcript NM_014208.3 (MANE Select); coding-DNA position 53, T replaced by G.
Protein change: p.Val18Gly; replaces valine 18 with glycine.
Molecular consequence: missense variant.
Genome position (GRCh38, 1-based): chr4:87,612,106, T>G. VCF-style: chr4-87612106-T-G. GRCh37 (hg19) VCF-style: chr4-88533258-T-G.
Other names: short protein forms V18G.
Identifiers: ClinVar variation 996079 (VCV000996079.3), dbSNP rs1727745724, ClinGen allele CA357602697.
Genomic context (GRCh38, chr4:87,612,106, plus strand): 5'-CTCACACACATATTCACAAATAAGAACCTTTTCAATAGCCAGTATTTTCTACTTGGCAGG[T>G]TCCTCAAAGCAAACCACTGGAGAGACATGTCGAAAAATCCATGAATTTGCATCTCCTAGC-3'
Protein context (NP_055023.2, residues 8-28): CIWAVAWAIP[Val18Gly]PQSKPLERHV